The following is an entry in ClinVar:

NM_000395.3(CSF2RB):c.434A>C (p.Gln145Pro)

Gene: CSF2RB (colony stimulating factor 2 receptor subunit beta; plus strand). Cytogenetic location: 22q12.3.
Variant type: single nucleotide variant.
Coding change: c.434A>C on transcript NM_000395.3 (MANE Select); coding-DNA position 434, A replaced by C.
Protein change: p.Gln145Pro; replaces glutamine 145 with proline.
Molecular consequence: missense variant.
Genome position (GRCh38, 1-based): chr22:36,929,444, A>C. VCF-style: chr22-36929444-A-C. GRCh37 (hg19) VCF-style: chr22-37325486-A-C.
Other names: c.434A>C, p.Gln145Pro (NM_001410827.1); short protein forms Q145P.
Identifiers: ClinVar variation 2858629 (VCV002858629.3), dbSNP rs1941099899, ClinGen allele CA411405533.

ClinVar aggregate classification (germline): Uncertain significance (1 of 4 stars; one submission).

Allele frequency attached by ClinVar (database versions not stated): TOPMed below 0.00001.

Submission:

Labcorp Genetics (formerly Invitae), Labcorp
Classification: Uncertain significance. Last evaluated: 2023-11-27. Review status: criteria provided, single submitter. Criteria: Invitae Variant Classification Sherloc (09022015). Collection method: clinical testing. Allele origin: germline.
Comment: This sequence change replaces glutamine, which is neutral and polar, with proline, which is neutral and non-polar, at codon 145 of the CSF2RB protein (p.Gln145Pro). This variant is not present in population databases (gnomAD no frequency). This variant has not been reported in the literature in individuals affected with CSF2RB-related conditions. Advanced modeling of protein sequence and biophysical properties (such as structural, functional, and spatial information, amino acid conservation, physicochemical variation, residue mobility, and thermodynamic stability) performed at Invitae indicates that this missense variant is not expected to disrupt CSF2RB protein function with a negative predictive value of 80%. In summary, the available evidence is currently insufficient to determine the role of this variant in disease. Therefore, it has been classified as a Variant of Uncertain Significance.